The following is an entry in ClinVar:

NM_001330700.2(TOP2B):c.1051G>A (p.Val351Ile)

Gene: TOP2B (DNA topoisomerase II beta; minus strand). Cytogenetic location: 3p24.2.
Variant type: single nucleotide variant.
Coding change: c.1051G>A on transcript NM_001330700.2 (MANE Select); coding-DNA position 1051, G replaced by A.
Protein change: p.Val351Ile; replaces valine 351 with isoleucine.
Molecular consequence: missense variant.
Genome position (GRCh38, 1-based): chr3:25,632,770, C>T on the plus strand (G>A on the coding strand, the complement: TOP2B is on the minus strand). VCF-style: chr3-25632770-C-T. GRCh37 (hg19) VCF-style: chr3-25674261-C-T.
Other names: c.1036G>A, p.Val346Ile (NM_001068.3); short protein forms V346I, V351I.
Identifiers: ClinVar variation 3675320 (VCV003675320.2).
Genomic context (GRCh38, chr3:25,632,770, plus strand): 5'-ATACACCAGCTTTGTTCTTTTTCTTAACTACTTCAATCAGTTTACCAACAACTTGATCTA[C>T]CACATAATCCACGTGCCGTCCACCCTAAAGAAAAAAAAATATATGAAATCTGAAATCCTG-3'
Protein context (NP_001317629.1, residues 341-361): TKGGRHVDYV[Val351Ile]DQVVGKLIEV

ClinVar aggregate classification (germline): Uncertain significance (1 of 4 stars; one submission).

gnomAD v4.1: 1 of 1,613,106 alleles (0.000062%); highest among the groups gnomAD compares: East Asian, 0.0022%; no homozygotes.

Submission:

Labcorp Genetics (formerly Invitae), Labcorp
Classification: Uncertain significance. Last evaluated: 2024-03-02. Review status: criteria provided, single submitter. Criteria: Invitae Variant Classification Sherloc (09022015). Collection method: clinical testing. Allele origin: germline.
Comment: This sequence change replaces valine, which is neutral and non-polar, with isoleucine, which is neutral and non-polar, at codon 346 of the TOP2B protein (p.Val346Ile). This variant is present in population databases (no rsID available, gnomAD 0.006%). This variant has not been reported in the literature in individuals affected with TOP2B-related conditions. An algorithm developed to predict the effect of missense changes on protein structure and function (PolyPhen-2) suggests that this variant is likely to be tolerated. In summary, the available evidence is currently insufficient to determine the role of this variant in disease. Therefore, it has been classified as a Variant of Uncertain Significance.